The following is an entry in ClinVar:

NM_017849.4(TMEM127):c.172G>A (p.Gly58Arg)

Gene: TMEM127 (transmembrane protein 127; minus strand). Cytogenetic location: 2q11.2.
Variant type: single nucleotide variant.
Coding change: c.172G>A on transcript NM_017849.4 (MANE Select); coding-DNA position 172, G replaced by A.
Protein change: p.Gly58Arg; replaces glycine 58 with arginine.
Molecular consequence: missense variant.
Genome position (GRCh38, 1-based): chr2:96,265,210, C>T on the plus strand (G>A on the coding strand, the complement: TMEM127 is on the minus strand). VCF-style: chr2-96265210-C-T. GRCh37 (hg19) VCF-style: chr2-96930948-C-T.
Other names: c.172G>A, p.Gly58Arg (NM_001193304.3); short protein forms G58R.
Identifiers: ClinVar variation 646591 (VCV000646591.19), dbSNP rs764136807, ClinGen allele CA1777386.

ClinVar aggregate classification (germline): Uncertain significance. Review status: criteria provided, multiple submitters, no conflicts (2 of 4 stars). 5 submissions from 5 submitters: Uncertain significance (5). Last evaluated 2026-08-06.

Conditions:
TMEM127-related disorder. Also called: TMEM127-related condition.
Hereditary pheochromocytoma and paraganglioma. Also called: Hereditary pheochromocytoma-paraganglioma; Hereditary paragangliomas and pheochromocytomas; Hereditary Paraganglioma-Pheochromocytoma Syndromes. Identifiers: Orphanet 29072, MedGen C4274332, MONDO:0017366.
Hereditary cancer-predisposing syndrome. Also called: Neoplastic Syndromes, Hereditary; Tumor predisposition; Hereditary neoplastic syndrome; Hereditary Cancer Syndrome. Identifiers: Orphanet 140162, MedGen C0027672, MeSH D009386, MONDO:0015356.
Pheochromocytoma. Also called: MAX-Related Hereditary Paraganglioma-Pheochromocytoma Syndrome. Identifiers: Orphanet 29072, MedGen C0031511, MONDO:0008233, OMIM 171300, HP:0002666.

Allele frequency attached by ClinVar (database versions not stated): ExAC 0.00001; gnomAD 0.00001; TOPMed 0.00002.
gnomAD v4.1: 11 of 1,606,926 alleles (0.00068%); highest among the groups gnomAD compares: Non-Finnish European, 0.00093%; no homozygotes.

Submissions (5):

PreventionGenetics, part of Exact Sciences
Classification: Uncertain significance for TMEM127-related condition. Last evaluated: 2026-08-06. Review status: criteria provided, single submitter. Criteria: ACMG Guidelines, 2015. Collection method: clinical testing. Allele origin: germline.
Comment: The TMEM127 c.172G>A variant is predicted to result in the amino acid substitution p.Gly58Arg. To our knowledge, this variant has not been reported in the literature. This variant is reported in 0.0009% of alleles in individuals of European (non-Finnish) descent in gnomAD and is interpreted as uncertain in ClinVar (Variation ID: 646591). At this time, the clinical significance of this variant is uncertain due to the absence of conclusive functional and genetic evidence.

Labcorp Genetics (formerly Invitae), Labcorp
Classification: Uncertain significance for Hereditary pheochromocytoma and paraganglioma. Last evaluated: 2026-01-14. Review status: criteria provided, single submitter. Criteria: Invitae Variant Classification Sherloc (09022015). Collection method: clinical testing. Allele origin: germline.
Comment: This sequence change replaces glycine, which is neutral and non-polar, with arginine, which is basic and polar, at codon 58 of the TMEM127 protein (p.Gly58Arg). This variant is not present in population databases (gnomAD no frequency). This variant has not been reported in the literature in individuals affected with TMEM127-related conditions. ClinVar contains an entry for this variant (Variation ID: 646591). An algorithm developed to predict the effect of missense changes on protein structure and function (PolyPhen-2) suggests that this variant is likely to be disruptive. In summary, the available evidence is currently insufficient to determine the role of this variant in disease. Therefore, it has been classified as a Variant of Uncertain Significance.

Ambry Genetics
Classification: Uncertain significance for Hereditary cancer-predisposing syndrome. Last evaluated: 2025-08-29. Review status: criteria provided, single submitter. Criteria: Ambry Variant Classification Scheme 2023. Collection method: clinical testing. Allele origin: germline.
Comment: The p.G58R variant (also known as c.172G>A), located in coding exon 1 of the TMEM127 gene, results from a G to A substitution at nucleotide position 172. The glycine at codon 58 is replaced by arginine, an amino acid with dissimilar properties. This amino acid position is highly conserved in available vertebrate species. In addition, this alteration is predicted to be deleterious by in silico analysis. Based on the available evidence, the clinical significance of this variant remains unclear.

Baylor Genetics
Classification: Uncertain significance for Pheochromocytoma. Last evaluated: 2024-02-22. Review status: criteria provided, single submitter. Criteria: ACMG Guidelines, 2015. Collection method: clinical testing. Allele origin: unknown.

Quest Diagnostics Nichols Institute San Juan Capistrano
Classification: Uncertain significance. Last evaluated: 2023-02-16. Review status: criteria provided, single submitter. Criteria: Quest Diagnostics criteria. Collection method: clinical testing. Allele origin: unknown.
Comment: The variant has not been reported in individuals with TMEM127-related conditions in the published literature. The frequency of this variant in the general population, 0.000013 (2/152240 chromosomes), is uninformative in assessment of its pathogenicity. Analysis of this variant using bioinformatics tools for the prediction of the effect of amino acid changes on protein structure and function yielded predictions that this variant is damaging. Additional analysis using software algorithms for the prediction of the effect of nucleotide changes on TMEM127 mRNA splicing yielded predictions that this variant may result in the gain of a cryptic splice site without affecting the natural splice sites . Based on the available information, we are unable to determine the clinical significance of this variant.